The following is an entry in ClinVar:

ClinVar aggregate classification (germline): Pathogenic/Likely pathogenic. Review status: criteria provided, multiple submitters, no conflicts (2 of 4 stars). 2 submissions from 2 submitters: Pathogenic (1); Likely pathogenic (1). Last evaluated 2024-12-06.

Conditions:
HYDIN-related disorders.

Submissions (2):

GeneDx
Classification: Pathogenic. Last evaluated: 2024-12-06. Review status: criteria provided, single submitter. Criteria: GeneDx Variant Classification Process June 2021. Collection method: clinical testing. Allele origin: germline. Affected: yes.
Comment: Frameshift variant predicted to result in protein truncation or nonsense mediated decay in a gene for which loss of function is a known mechanism of disease; Not observed at significant frequency in large population cohorts (gnomAD); This variant is associated with the following publications: (PMID: 26139845)

Blueprint Genetics
Classification: Likely pathogenic for HYDIN-related disorders. Last evaluated: 2022-07-25. Review status: criteria provided, single submitter. Criteria: ACMG Guidelines, 2015. Collection method: clinical testing. Allele origin: germline. Affected: yes. Observed: 1 variant allele.

NM_001270974.2(HYDIN):c.4866del (p.Pro1623fs)

Gene: HYDIN (HYDIN axonemal central pair apparatus protein; minus strand). Cytogenetic location: 16q22.2.
Variant type: Deletion.
Coding change: c.4866del on transcript NM_001270974.2 (MANE Select); coding-DNA position 4866, one base deleted (T; older notation c.4866delT).
Protein change: p.Pro1623fs; shifts the reading frame from proline 1623.
Molecular consequence: frameshift variant.
Genome position (GRCh38, 1-based): chr16:70,974,577, A deleted on the plus strand (T on the coding strand, the reverse complement: HYDIN is on the minus strand); the first of 3 consecutive A bases (chr16:70,974,577-70,974,579); deleting any one gives the same sequence. VCF-style (leftmost placement, unchanged base first): chr16-70974576-GA-G. GRCh37 (hg19) VCF-style: chr16-71008479-GA-G.
Other names: short protein forms P1623fs.
Identifiers: ClinVar variation 3901484 (VCV003901484.2).
Genomic context (GRCh38, chr16:70,974,576, plus strand): 5'-TCTCCCCAGCCTGGGTACCTGTCTCATGAAGGACACGCTTGTCTGCATGGAATGACACTG[GA>G]AAGTGACTGGTGTTGATGATCTTGATGATGTGGGTTCGGACTTCGCCAAGGATGATGTAG-3'